The following is an entry in ClinVar:

NM_006206.6(PDGFRA):c.1036A>G (p.Arg346Gly)

Gene: PDGFRA (platelet derived growth factor receptor alpha; plus strand). Cytogenetic location: 4q12.
Variant type: single nucleotide variant.
Coding change: c.1036A>G on transcript NM_006206.6 (MANE Select); coding-DNA position 1036, A replaced by G.
Protein change: p.Arg346Gly; replaces arginine 346 with glycine.
Molecular consequence: missense variant.
Genome position (GRCh38, 1-based): chr4:54,267,656, A>G. VCF-style: chr4-54267656-A-G. GRCh37 (hg19) VCF-style: chr4-55133823-A-G.
Other names: c.1036A>G, p.Arg346Gly (NM_001347827.2, NM_001347829.2); c.1111A>G, p.Arg371Gly (NM_001347828.2); c.1075A>G, p.Arg359Gly (NM_001347830.2); short protein forms R371G, R359G, R346G.
Identifiers: ClinVar variation 941535 (VCV000941535.11), dbSNP rs1230076983, ClinGen allele CA356891656.

ClinVar aggregate classification (germline): Uncertain significance. Review status: criteria provided, multiple submitters, no conflicts (2 of 4 stars). 2 submissions from 2 submitters: Uncertain significance (2). Last evaluated 2025-11-19.

Conditions:
Hereditary cancer-predisposing syndrome. Also called: Hereditary neoplastic syndrome; Neoplastic Syndromes, Hereditary; Hereditary Cancer Syndrome; Tumor predisposition. Identifiers: Orphanet 140162, MedGen C0027672, MeSH D009386, MONDO:0015356.
Gastrointestinal stromal tumor. Also called: Gastrointestinal stromal tumor, somatic; Gastrointestinal stroma tumor. Identifiers: Orphanet 44890, MedGen C0238198, MeSH D046152, MONDO:0011719, OMIM 606764, HP:0100723.

Allele frequency attached by ClinVar (database versions not stated): gnomAD exomes below 0.00001; gnomAD 0.00001; TOPMed 0.00001.
gnomAD v4.1: 3 of 1,613,852 alleles (0.00019%); highest among the groups gnomAD compares: East Asian, 0.0022%; no homozygotes.

Submissions (2):

Labcorp Genetics (formerly Invitae), Labcorp
Classification: Uncertain significance for Gastrointestinal stromal tumor. Last evaluated: 2025-11-19. Review status: criteria provided, single submitter. Criteria: Invitae Variant Classification Sherloc (09022015). Collection method: clinical testing. Allele origin: germline.
Comment: This sequence change replaces arginine, which is basic and polar, with glycine, which is neutral and non-polar, at codon 346 of the PDGFRA protein (p.Arg346Gly). This variant is present in population databases (no rsID available, gnomAD 0.06%). This variant has not been reported in the literature in individuals affected with PDGFRA-related conditions. ClinVar contains an entry for this variant (Variation ID: 941535). Invitae Evidence Modeling of protein sequence and biophysical properties (such as structural, functional, and spatial information, amino acid conservation, physicochemical variation, residue mobility, and thermodynamic stability) indicates that this missense variant is not expected to disrupt PDGFRA protein function with a negative predictive value of 80%. In summary, the available evidence is currently insufficient to determine the role of this variant in disease. Therefore, it has been classified as a Variant of Uncertain Significance.

Ambry Genetics
Classification: Uncertain significance for Hereditary cancer-predisposing syndrome. Last evaluated: 2025-02-06. Review status: criteria provided, single submitter. Criteria: Ambry Variant Classification Scheme 2023. Collection method: clinical testing. Allele origin: germline.
Comment: The p.R346G variant (also known as c.1036A>G), located in coding exon 6 of the PDGFRA gene, results from an A to G substitution at nucleotide position 1036. The arginine at codon 346 is replaced by glycine, an amino acid with dissimilar properties. This amino acid position is conserved. In addition, this alteration is predicted to be tolerated by in silico analysis. Since supporting evidence is limited at this time, the clinical significance of this alteration remains unclear.